The following is an entry in ClinVar:

ClinVar aggregate classification (germline): Uncertain significance. Review status: criteria provided, multiple submitters, no conflicts (2 of 4 stars). 2 submissions from 2 submitters: Uncertain significance (2). Last evaluated 2024-12-30.

Allele frequency attached by ClinVar (database versions not stated): gnomAD 0.00001; gnomAD exomes 0.00001 and 0.00002; TOPMed 0.00002.
gnomAD v4.1: 8 of 1,612,952 alleles (0.0005%); highest among the groups gnomAD compares: Admixed American, 0.013%; no homozygotes.

Submissions (2):

Athena Diagnostics
Classification: Uncertain significance. Last evaluated: 2024-12-30. Review status: criteria provided, single submitter. Criteria: Athena Diagnostics Criteria. Collection method: clinical testing. Allele origin: unknown.
Comment: Available data are insufficient to determine the clinical significance of the variant at this time. The frequency of this variant in the general population is higher than would generally be expected for pathogenic variants in this gene. Polyphen and MutationTaster yielded discordant predictions regarding whether this amino acid change is damaging to the protein.

Labcorp Genetics (formerly Invitae), Labcorp
Classification: Uncertain significance. Last evaluated: 2024-05-07. Review status: criteria provided, single submitter. Criteria: Invitae Variant Classification Sherloc (09022015). Collection method: clinical testing. Allele origin: germline.
Comment: This sequence change replaces isoleucine, which is neutral and non-polar, with valine, which is neutral and non-polar, at codon 429 of the SLC1A3 protein (p.Ile429Val). This variant is present in population databases (no rsID available, gnomAD 0.01%). This variant has not been reported in the literature in individuals affected with SLC1A3-related conditions. ClinVar contains an entry for this variant (Variation ID: 448403). Advanced modeling of protein sequence and biophysical properties (such as structural, functional, and spatial information, amino acid conservation, physicochemical variation, residue mobility, and thermodynamic stability) performed at Invitae indicates that this missense variant is not expected to disrupt SLC1A3 protein function with a negative predictive value of 80%. In summary, the available evidence is currently insufficient to determine the role of this variant in disease. Therefore, it has been classified as a Variant of Uncertain Significance.

NM_004172.5(SLC1A3):c.1285A>G (p.Ile429Val)

Genes: SLC1A3 (solute carrier family 1 member 3; plus strand), SLC1A3-AS1 (SLC1A3 antisense RNA 1; minus strand). Cytogenetic location: 5p13.2.
Variant type: single nucleotide variant.
Coding change: c.1285A>G on transcript NM_004172.5 (MANE Select); coding-DNA position 1285, A replaced by G.
Protein change: p.Ile429Val; replaces isoleucine 429 with valine.
Molecular consequence: missense variant.
Genome position (GRCh38, 1-based): chr5:36,680,585, A>G. VCF-style: chr5-36680585-A-G. GRCh37 (hg19) VCF-style: chr5-36680687-A-G.
Other names: c.1285A>G, p.Ile429Val (NM_001166695.3); c.1147A>G, p.Ile383Val (NM_001289939.2); c.949A>G, p.Ile317Val (NM_001289940.2); short protein forms I429V, I383V, I317V.
Identifiers: ClinVar variation 448403 (VCV000448403.5), dbSNP rs1391192851, ClinGen allele CA359483414.